The following is an entry in ClinVar:

ClinVar aggregate classification (germline): Uncertain significance. Review status: criteria provided, multiple submitters, no conflicts (2 of 4 stars). 2 submissions from 2 submitters: Uncertain significance (2). Last evaluated 2024-12-06.

Conditions:
Cardiovascular phenotype. Identifiers: MedGen CN230736.

Allele frequency attached by ClinVar (database versions not stated): gnomAD exomes below 0.00001; gnomAD 0.00001; TOPMed 0.00001.
gnomAD v4.1: 4 of 1,614,110 alleles (0.00025%); highest among the groups gnomAD compares: Admixed American, 0.0017%; no homozygotes.

Submissions (2):

GeneDx
Classification: Uncertain significance. Last evaluated: 2024-12-06. Review status: criteria provided, single submitter. Criteria: GeneDx Variant Classification Process June 2021. Collection method: clinical testing. Allele origin: germline. Affected: yes.
Comment: Not observed at significant frequency in large population cohorts (gnomAD); In silico analysis indicates that this missense variant does not alter protein structure/function; Has not been previously published as pathogenic or benign to our knowledge

Ambry Genetics
Classification: Uncertain significance for Cardiovascular phenotype. Last evaluated: 2023-01-25. Review status: criteria provided, single submitter. Criteria: Ambry Variant Classification Scheme 2023. Collection method: clinical testing. Allele origin: germline.
Comment: The p.P216L variant (also known as c.647C>T), located in coding exon 1 of the MYPN gene, results from a C to T substitution at nucleotide position 647. The proline at codon 216 is replaced by leucine, an amino acid with similar properties. This amino acid position is conserved. In addition, this alteration is predicted to be tolerated by in silico analysis. Since supporting evidence is limited at this time, the clinical significance of this alteration remains unclear.

NM_032578.4(MYPN):c.647C>T (p.Pro216Leu)

Gene: MYPN (myopalladin; plus strand). Cytogenetic location: 10q21.3.
Variant type: single nucleotide variant.
Coding change: c.647C>T on transcript NM_032578.4 (MANE Select); coding-DNA position 647, C replaced by T.
Protein change: p.Pro216Leu; replaces proline 216 with leucine.
Molecular consequence: missense variant. On other transcripts: 5 prime UTR variant (1), non-coding transcript variant (1).
Genome position (GRCh38, 1-based): chr10:68,122,085, C>T. VCF-style: chr10-68122085-C-T. GRCh37 (hg19) VCF-style: chr10-69881842-C-T.
Other names: c.647C>T, p.Pro216Leu (NM_001256267.2); c.-476C>T (NM_001256268.2); short protein forms P216L.
Identifiers: ClinVar variation 2449134 (VCV002449134.3), dbSNP rs2042252262, ClinGen allele CA377104816.